The following is an entry in ClinVar:

NM_203446.3(SYNJ1):c.2725T>C (p.Phe909Leu)

Gene: SYNJ1 (synaptojanin 1; minus strand). Cytogenetic location: 21q22.11.
Variant type: single nucleotide variant.
Coding change: c.2725T>C on transcript NM_203446.3 (MANE Select); coding-DNA position 2725, T replaced by C.
Protein change: p.Phe909Leu; replaces phenylalanine 909 with leucine.
Molecular consequence: missense variant.
Genome position (GRCh38, 1-based): chr21:32,656,757, A>G on the plus strand (T>C on the coding strand, the complement: SYNJ1 is on the minus strand). VCF-style: chr21-32656757-A-G. GRCh37 (hg19) VCF-style: chr21-34029067-A-G.
Other names: c.2725T>C, p.Phe909Leu (NM_001160302.2); c.2710T>C, p.Phe904Leu (NM_001160306.2); c.2842T>C, p.Phe948Leu (NM_003895.4); short protein forms F909L, F948L, F904L.
Identifiers: ClinVar variation 2068649 (VCV002068649.1), dbSNP rs2517529054, ClinGen allele CA410073481.

ClinVar aggregate classification (germline): Uncertain significance (1 of 4 stars; one submission).

Conditions:
Developmental and epileptic encephalopathy, 53. Also called: Epileptic encephalopathy, early infantile, 53. Identifiers: MedGen C4479313, MONDO:0033362, OMIM 617389.
Early-onset Parkinson disease 20. Also called: PARKINSON DISEASE 20, AUTOSOMAL RECESSIVE EARLY-ONSET. Identifiers: Orphanet 391411, MedGen C3809824, MONDO:0014233, OMIM 615530.

Submission:

Labcorp Genetics (formerly Invitae), Labcorp
Classification: Uncertain significance for Developmental and epileptic encephalopathy, 53; Early-onset Parkinson disease 20. Last evaluated: 2022-01-01. Review status: criteria provided, single submitter. Criteria: Invitae Variant Classification Sherloc (09022015). Collection method: clinical testing. Allele origin: germline.
Comment: This sequence change replaces phenylalanine, which is neutral and non-polar, with leucine, which is neutral and non-polar, at codon 948 of the SYNJ1 protein (p.Phe948Leu). This variant is not present in population databases (gnomAD no frequency). This variant has not been reported in the literature in individuals affected with SYNJ1-related conditions. Algorithms developed to predict the effect of missense changes on protein structure and function (SIFT, PolyPhen-2, Align-GVGD) all suggest that this variant is likely to be tolerated. In summary, the available evidence is currently insufficient to determine the role of this variant in disease. Therefore, it has been classified as a Variant of Uncertain Significance.